The following is an entry in ClinVar:

NM_014874.4(MFN2):c.659C>T (p.Ala220Val)

Gene: MFN2 (mitofusin 2; plus strand). Cytogenetic location: 1p36.22.
Variant type: single nucleotide variant.
Coding change: c.659C>T on transcript NM_014874.4 (MANE Select); coding-DNA position 659, C replaced by T.
Protein change: p.Ala220Val; replaces alanine 220 with valine.
Molecular consequence: missense variant.
Genome position (GRCh38, 1-based): chr1:11,998,829, C>T. VCF-style: chr1-11998829-C-T. GRCh37 (hg19) VCF-style: chr1-12058886-C-T.
Other names: c.659C>T, p.Ala220Val (NM_001127660.2); short protein forms A220V.
Identifiers: ClinVar variation 245943 (VCV000245943.2), dbSNP rs879254010, ClinGen allele CA10584098.
Genomic context (GRCh38, chr1:11,998,829, plus strand): 5'-GCCCTGGTATTGATGTCACCACAGAGCTGGACAGCTGGATTGACAAGTTTTGTCTGGATG[C>T]TGATGTGTTTGTGCTGGTGGCCAACTCAGAGTCCACCCTGATGCAGACGGTAACTCCTCC-3'
Protein context (NP_055689.1, residues 210-230): DSWIDKFCLD[Ala220Val]DVFVLVANSE

ClinVar aggregate classification (germline): Likely pathogenic (1 of 4 stars; one submission).

Submission:

GeneDx
Classification: Likely pathogenic. Last evaluated: 2017-07-25. Review status: criteria provided, single submitter. Criteria: GeneDx Variant Classification (06012015). Collection method: clinical testing. Allele origin: germline. Affected: yes.
Comment: The A220V variant in the MFN2 gene has not been published as a pathogenic variant, nor has it been reported as a benign polymorphism to our knowledge. The A220V variant was not observed in approximately 6500 individuals of European and African American ancestry in the NHLBI Exome Sequencing Project, indicating it is not a common benign variant in these populations. The A220V variant is a conservative amino acid substitution, which is not likely to impact secondary protein structure as these residues share similar properties. This substitution occurs in the GTPase domain at a position that is conserved across species. In silico analysis is inconsistent in its predictions as to whether or not the variant is damaging to the protein structure/function. Missense variants in nearby residues (I213T, D214N, F216S, F223L) have been reported in the Human Gene Mutation Database in association with Charcot-Marie-Tooth Disease type 2A and severe, early-onset axonal neuropathy (Stenson et al., 2014), supporting the functional importance of this region of the protein. The A220V variant is a strong candidate for a pathogenic variant, however the possibility it may be a rare benign variant cannot be excluded.